The following is an entry in ClinVar:

NM_001329943.3(KIAA0586):c.919A>G (p.Ser307Gly)

Gene: KIAA0586 (KIAA0586; plus strand). Cytogenetic location: 14q23.1.
Variant type: single nucleotide variant.
Coding change: c.919A>G on transcript NM_001329943.3 (MANE Select); coding-DNA position 919, A replaced by G.
Protein change: p.Ser307Gly; replaces serine 307 with glycine.
Molecular consequence: missense variant.
Genome position (GRCh38, 1-based): chr14:58,448,451, A>G. VCF-style: chr14-58448451-A-G. GRCh37 (hg19) VCF-style: chr14-58915169-A-G.
Other names: c.1078A>G, p.Ser360Gly (NM_001244189.2); c.874A>G, p.Ser292Gly (NM_001244190.2); c.664A>G, p.Ser222Gly (NM_001244191.2, NM_001329945.2, NM_001364700.1 and 1 more transcripts); c.787A>G, p.Ser263Gly (NM_001244192.2); c.499A>G, p.Ser167Gly (NM_001244193.2); c.919A>G, p.Ser307Gly (NM_001329944.2, NM_001329946.2, NM_001329947.2 and 1 more transcripts); short protein forms S222G, S167G, S307G, S360G, S263G, S292G.
Identifiers: ClinVar variation 1354794 (VCV001354794.8), dbSNP rs2140663692, ClinGen allele CA389864136.

ClinVar aggregate classification (germline): Uncertain significance (1 of 4 stars; one submission).

Conditions:
Joubert syndrome 23 (JBTS23). Identifiers: Orphanet 475, MedGen C4084822, MONDO:0014664, OMIM 616490.
Short-rib thoracic dysplasia 14 with polydactyly (SRTD14). Identifiers: Orphanet 397715, MedGen C4225286, MONDO:0014688, OMIM 616546.

Submission:

Labcorp Genetics (formerly Invitae), Labcorp
Classification: Uncertain significance for Joubert syndrome 23; Short-rib thoracic dysplasia 14 with polydactyly. Last evaluated: 2022-07-05. Review status: criteria provided, single submitter. Criteria: Invitae Variant Classification Sherloc (09022015). Collection method: clinical testing. Allele origin: germline.
Comment: In summary, the available evidence is currently insufficient to determine the role of this variant in disease. Therefore, it has been classified as a Variant of Uncertain Significance. Algorithms developed to predict the effect of missense changes on protein structure and function output the following: SIFT: "Tolerated"; PolyPhen-2: "Benign"; Align-GVGD: "Class C0". The glycine amino acid residue is found in multiple mammalian species, which suggests that this missense change does not adversely affect protein function. ClinVar contains an entry for this variant (Variation ID: 1354794). This variant has not been reported in the literature in individuals affected with KIAA0586-related conditions. This variant is not present in population databases (gnomAD no frequency). This sequence change replaces serine, which is neutral and polar, with glycine, which is neutral and non-polar, at codon 360 of the KIAA0586 protein (p.Ser360Gly).